The following is an entry in ClinVar:

ClinVar aggregate classification (germline): Uncertain significance (1 of 4 stars; one submission).

Submission:

Women's Health and Genetics/Laboratory Corporation of America, LabCorp
Classification: Uncertain significance. Last evaluated: 2021-08-30. Review status: criteria provided, single submitter. Criteria: LabCorp Variant Classification Summary - May 2015. Collection method: clinical testing. Allele origin: germline.
Comment: Variant summary: TTN c.70756A>G (p.Thr23586Ala) results in a non-conservative amino acid change located in the A-band domain of the encoded protein sequence. Three of five in-silico tools predict a benign effect of the variant on protein function. The variant was absent in 247430 control chromosomes. The available data on variant occurrences in the general population are insufficient to allow any conclusion about variant significance. To our knowledge, no occurrence of c.70756A>G in individuals affected with Dilated Cardiomyopathy and no experimental evidence demonstrating its impact on protein function have been reported. No clinical diagnostic laboratories have submitted clinical-significance assessments for this variant to ClinVar after 2014. Based on the evidence outlined above, the variant was classified as uncertain significance.

NM_001267550.2(TTN):c.78460A>G (p.Thr26154Ala)

Genes: TTN (titin; minus strand), TTN-AS1 (TTN antisense RNA 1; plus strand). Cytogenetic location: 2q31.2.
Variant type: single nucleotide variant.
Coding change: c.78460A>G on transcript NM_001267550.2 (MANE Select); coding-DNA position 78460, A replaced by G.
Protein change: p.Thr26154Ala; replaces threonine 26154 with alanine.
Molecular consequence: missense variant.
Genome position (GRCh38, 1-based): chr2:178,567,672, T>C on the plus strand (A>G on the coding strand, the complement: TTN is on the minus strand). VCF-style: chr2-178567672-T-C. GRCh37 (hg19) VCF-style: chr2-179432399-T-C.
Other names: c.73537A>G, p.Thr24513Ala (NM_001256850.1); c.51265A>G, p.Thr17089Ala (NM_003319.4); c.70756A>G, p.Thr23586Ala (NM_133378.4); c.51640A>G, p.Thr17214Ala (NM_133432.3); c.51841A>G, p.Thr17281Ala (NM_133437.4); short protein forms T17089A, T17214A, T17281A, T23586A, T24513A, T26154A.
Identifiers: ClinVar variation 1217286 (VCV001217286.1), dbSNP rs1286984854, ClinGen allele CA349602852.